The following is an entry in ClinVar:

NM_000138.5(FBN1):c.6262A>T (p.Lys2088Ter)

Gene: FBN1 (fibrillin 1; minus strand). Cytogenetic location: 15q21.1.
Variant type: single nucleotide variant.
Coding change: c.6262A>T on transcript NM_000138.5 (MANE Select); coding-DNA position 6262, A replaced by T.
Protein change: p.Lys2088Ter; replaces lysine 2088 with a stop codon.
Molecular consequence: nonsense.
Genome position (GRCh38, 1-based): chr15:48,437,819, T>A on the plus strand (A>T on the coding strand, the complement: FBN1 is on the minus strand). VCF-style: chr15-48437819-T-A. GRCh37 (hg19) VCF-style: chr15-48730016-T-A.
Other names: c.6262A>T, p.Lys2088Ter (NM_001406716.1); short protein forms K2088*.
Identifiers: ClinVar variation 3754784 (VCV003754784.2).

ClinVar aggregate classification (germline): Pathogenic (1 of 4 stars; one submission).

Conditions:
Marfan syndrome (MFS). Also called: MARFAN SYNDROME, TYPE I; Marfan syndrome type 1; Marfan's syndrome; Marfan syndrome, classic; FBN1-Related Marfan Syndrome. Identifiers: Orphanet 284963, Orphanet 558, MedGen C0024796, MONDO:0007947, OMIM 154700.
Familial thoracic aortic aneurysm and aortic dissection (TAAD). Also called: Thoracic aortic aneurysms and dissections. Identifiers: Orphanet 91387, MedGen C4707243, MONDO:0019625.

Submission:

Labcorp Genetics (formerly Invitae), Labcorp
Classification: Pathogenic for Marfan syndrome; Familial thoracic aortic aneurysm and aortic dissection. Last evaluated: 2024-05-21. Review status: criteria provided, single submitter. Criteria: Invitae Variant Classification Sherloc (09022015). Collection method: clinical testing. Allele origin: germline.
Comment: This sequence change creates a premature translational stop signal (p.Lys2088*) in the FBN1 gene. It is expected to result in an absent or disrupted protein product. Loss-of-function variants in FBN1 are known to be pathogenic (PMID: 17657824, 19293843). This variant is not present in population databases (gnomAD no frequency). This variant has not been reported in the literature in individuals affected with FBN1-related conditions. Algorithms developed to predict the effect of sequence changes on RNA splicing suggest that this variant may disrupt the consensus splice site. For these reasons, this variant has been classified as Pathogenic.

Literature cited by the submitters: PubMed 17657824; PubMed 19293843.